The following is an entry in ClinVar:

ClinVar aggregate classification (germline): Uncertain significance. Review status: criteria provided, multiple submitters, no conflicts (2 of 4 stars). 2 submissions from 2 submitters: Uncertain significance (2). Last evaluated 2025-05-27.

Conditions:
Hereditary cancer-predisposing syndrome. Also called: Hereditary Cancer Syndrome; Hereditary neoplastic syndrome; Tumor predisposition; Neoplastic Syndromes, Hereditary. Identifiers: Orphanet 140162, MedGen C0027672, MeSH D009386, MONDO:0015356.

Submissions (2):

Ambry Genetics
Classification: Uncertain significance for Hereditary cancer-predisposing syndrome. Last evaluated: 2025-05-27. Review status: criteria provided, single submitter. Criteria: Ambry Variant Classification Scheme 2023. Collection method: clinical testing. Allele origin: germline.
Comment: The p.L776P variant (also known as c.2327T>C), located in coding exon 16 of the CTNNA1 gene, results from a T to C substitution at nucleotide position 2327. The leucine at codon 776 is replaced by proline, an amino acid with similar properties. This amino acid position is highly conserved in available vertebrate species. In addition, this alteration is predicted to be deleterious by in silico analysis. Since supporting evidence is limited at this time, the clinical significance of this alteration remains unclear.

Labcorp Genetics (formerly Invitae), Labcorp
Classification: Uncertain significance. Last evaluated: 2024-05-06. Review status: criteria provided, single submitter. Criteria: Invitae Variant Classification Sherloc (09022015). Collection method: clinical testing. Allele origin: germline.
Comment: This sequence change replaces leucine, which is neutral and non-polar, with proline, which is neutral and non-polar, at codon 776 of the CTNNA1 protein (p.Leu776Pro). This variant is not present in population databases (gnomAD no frequency). This variant has not been reported in the literature in individuals affected with CTNNA1-related conditions. ClinVar contains an entry for this variant (Variation ID: 1789667). An algorithm developed to predict the effect of missense changes on protein structure and function (PolyPhen-2) suggests that this variant is likely to be disruptive. In summary, the available evidence is currently insufficient to determine the role of this variant in disease. Therefore, it has been classified as a Variant of Uncertain Significance.

NM_001903.5(CTNNA1):c.2327T>C (p.Leu776Pro)

Gene: CTNNA1 (catenin alpha 1; plus strand). Cytogenetic location: 5q31.2.
Variant type: single nucleotide variant.
Coding change: c.2327T>C on transcript NM_001903.5 (MANE Select); coding-DNA position 2327, T replaced by C.
Protein change: p.Leu776Pro; replaces leucine 776 with proline.
Molecular consequence: missense variant. On other transcripts: intron variant (1).
Genome position (GRCh38, 1-based): chr5:138,932,606, T>C. VCF-style: chr5-138932606-T-C. GRCh37 (hg19) VCF-style: chr5-138268295-T-C.
Other names: c.2327T>C, p.Leu776Pro (NM_001290307.3, NM_001323982.2, NM_001323983.1 and 2 more transcripts); c.2018T>C, p.Leu673Pro (NM_001290309.3); c.1958T>C, p.Leu653Pro (NM_001290310.3); c.1217T>C, p.Leu406Pro (NM_001290312.1, NM_001323987.1, NM_001323988.1 and 16 more transcripts); c.2234T>C, p.Leu745Pro (NM_001323986.2); c.878T>C, p.Leu293Pro (NM_001324006.1, NM_001324007.1, NM_001324008.1 and 2 more transcripts); c.1124T>C, p.Leu375Pro (NM_001324011.1); c.974T>C, p.Leu325Pro (NM_001324012.1, NM_001324013.1); and 1 more; short protein forms L293P, L325P, L653P, L673P, L776P, L375P, L406P, L745P.
Identifiers: ClinVar variation 1789667 (VCV001789667.6), dbSNP rs2533911729, ClinGen allele CA361134335.